The following is an entry in ClinVar:

NM_000540.3(RYR1):c.9550G>A (p.Glu3184Lys)

Gene: RYR1 (ryanodine receptor 1; plus strand). Cytogenetic location: 19q13.2.
Variant type: single nucleotide variant.
Coding change: c.9550G>A on transcript NM_000540.3 (MANE Select); coding-DNA position 9550, G replaced by A.
Protein change: p.Glu3184Lys; replaces glutamic acid 3184 with lysine.
Molecular consequence: missense variant.
Genome position (GRCh38, 1-based): chr19:38,515,103, G>A. VCF-style: chr19-38515103-G-A. GRCh37 (hg19) VCF-style: chr19-39005743-G-A.
Other names: c.9550G>A, p.Glu3184Lys (NM_001042723.2); short protein forms E3184K.
Identifiers: ClinVar variation 2579566 (VCV002579566.3), dbSNP rs2514419657, ClinGen allele CA405689058.

ClinVar aggregate classification (germline): Uncertain significance. Review status: criteria provided, multiple submitters, no conflicts (2 of 4 stars). 2 submissions from 2 submitters: Uncertain significance (2). Last evaluated 2025-12-29.

Conditions:
Malignant hyperthermia, susceptibility to, 1 (MHS1). Also called: Malignant hyperthermia suceptibility 1; RYR1-Related Malignant Hyperthermia Susceptibility; Anesthesia related hyperthermia; Malignant hyperpyrexia; Fulminating hyperpyrexia; Pharmacogenic myopathy. Identifiers: Orphanet 423, MedGen C2930980, MONDO:0007783, OMIM 145600.

Submissions (2):

GeneDx
Classification: Uncertain significance. Last evaluated: 2025-12-29. Review status: criteria provided, single submitter. Criteria: GeneDx Variant Classification Process June 2021. Collection method: clinical testing. Allele origin: germline. Affected: yes.
Comment: Not observed at significant frequency in large population cohorts (gnomAD); In silico analysis supports that this missense variant has a deleterious effect on protein structure/function; Has not been previously published as pathogenic or benign to our knowledge; This variant is associated with the following publications: (PMID: 12668474)

All of Us Research Program, National Institutes of Health
Classification: Uncertain significance for Malignant hyperthermia, susceptibility to, 1. Last evaluated: 2024-05-09. Review status: criteria provided, single submitter. Criteria: ACMG Guidelines, 2015. Collection method: clinical testing. Allele origin: germline. Inheritance: Autosomal dominant inheritance. Observed: 1 variant allele, 1 heterozygote.
Comment: This study involves interpretation of variants in research participants for the purpose of population health screening. Participant phenotype was not available at the time of variant classification. Additional details can be found in publication PMID: 35346344, PMCID: PMC8962531